The following is an entry in ClinVar:

ClinVar aggregate classification (germline): Conflicting classifications of pathogenicity. Review status: criteria provided, conflicting classifications (1 of 4 stars). 2 submissions from 2 submitters: Likely pathogenic (1); Uncertain significance (1). Last evaluated 2025-10-31.

Conditions:
Mitochondrial short-chain Enoyl-Coa hydratase 1 deficiency. Also called: PxMD-ECHS1; ECHS1 deficiency; Mitochondrial Short-Chain Enoyl-CoA Hydratase Deficiency. Identifiers: Orphanet 255241, Orphanet 653880, MedGen C4225391, MONDO:0014563, OMIM 616277.

Allele frequency attached by ClinVar (database versions not stated): gnomAD exomes 0.00001 and 0.00002; ExAC 0.00001; TOPMed 0.00001; gnomAD 0.00002; ESP Exome Variant Server 0.00008.
gnomAD v4.1: 34 of 1,613,542 alleles (0.0021%); highest among the groups gnomAD compares: African/African-American, 0.0027%; no homozygotes.

Submissions (2):

GeneDx
Classification: Likely pathogenic. Last evaluated: 2025-10-31. Review status: criteria provided, single submitter. Criteria: GeneDx Variant Classification Process June 2021. Collection method: clinical testing. Allele origin: germline. Affected: yes.
Comment: In silico analysis supports that this missense variant has a deleterious effect on protein structure/function; Not observed at significant frequency in large population cohorts (gnomAD); This variant is associated with the following publications: (PMID: 31908952, 36200804, 32677093, 38363494)

Department of Pathology and Laboratory Medicine, Sinai Health System
Classification: Uncertain significance for mitochondrial short-chain Enoyl-Coa hydratase 1 deficiency. Last evaluated: 2023-04-08. Review status: criteria provided, single submitter. Criteria: ACMG Guidelines, 2015. Collection method: research. Allele origin: germline.

NM_004092.4(ECHS1):c.404A>G (p.Asn135Ser)

Gene: ECHS1 (enoyl-CoA hydratase, short chain 1; minus strand). Cytogenetic location: 10q26.3.
Variant type: single nucleotide variant.
Coding change: c.404A>G on transcript NM_004092.4 (MANE Select); coding-DNA position 404, A replaced by G.
Protein change: p.Asn135Ser; replaces asparagine 135 with serine.
Molecular consequence: missense variant.
Genome position (GRCh38, 1-based): chr10:133,369,914, T>C on the plus strand (A>G on the coding strand, the complement: ECHS1 is on the minus strand). VCF-style: chr10-133369914-T-C. GRCh37 (hg19) VCF-style: chr10-135183418-T-C.
Other names: short protein forms N135S.
Identifiers: ClinVar variation 377824 (VCV000377824.4), dbSNP rs144800865, ClinGen allele CA5765800.
Genomic context (GRCh38, chr10:133,369,914, plus strand): 5'-CACGGTTCCTTCAACCACGAGAGGAGGAGACTCTTGGCAGCAACACTCACGGCATAGCCA[T>C]TGACAGCAGCGATGACTGGCTTCTTGACCTGGGTGAGGTGGTCCCAGTGCTTCAAGAACT-3'
Protein context (NP_004083.3, residues 125-145): QVKKPVIAAV[Asn135Ser]GYAFGGGCEL